The following is an entry in ClinVar:

NM_001286577.2(C2CD3):c.1533A>G (p.Glu511=)

Gene: C2CD3 (C2 domain containing 3 centriole elongation regulator; minus strand). Cytogenetic location: 11q13.4.
Variant type: single nucleotide variant.
Coding change: c.1533A>G on transcript NM_001286577.2 (MANE Select); coding-DNA position 1533, A replaced by G.
Protein change: p.Glu511=; no amino-acid change (glutamic acid 511 retained).
Molecular consequence: synonymous variant.
Genome position (GRCh38, 1-based): chr11:74,114,581, T>C on the plus strand (A>G on the coding strand, the complement: C2CD3 is on the minus strand). VCF-style: chr11-74114581-T-C. GRCh37 (hg19) VCF-style: chr11-73825626-T-C.
Other names: c.1533A>G, p.Glu511= (NM_015531.6).
Identifiers: ClinVar variation 3239547 (VCV003239547.19), dbSNP rs2496493068.

ClinVar aggregate classification (germline): Likely benign (1 of 4 stars; one submission).

Submission:

CeGaT Center for Human Genetics Tuebingen
Classification: Likely benign. Last evaluated: 2024-05-01. Review status: criteria provided, single submitter. Criteria: CeGaT Center For Human Genetics Tuebingen Variant Classification Criteria Version 2. Collection method: clinical testing. Allele origin: germline. Affected: yes. Observed: 1 variant allele.
Comment: C2CD3: PM2:Supporting, BP4, BP7